The following is an entry in ClinVar:

ClinVar aggregate classification (germline): Benign (1 of 4 stars; one submission).

Allele frequency attached by ClinVar (database versions not stated): 1000 Genomes Project 0.07788; 1000 Genomes Project 30x 0.08276; gnomAD 0.11003 and 0.11106; TOPMed 0.11617.
gnomAD v4.1: 16,708 of 152,148 alleles (11%); highest among the groups gnomAD compares: Middle Eastern, 19%; 1,117 homozygotes.

Submission:

GeneDx
Classification: Benign. Last evaluated: 2018-06-16. Review status: criteria provided, single submitter. Criteria: GeneDx Variant Classification (06012015). Collection method: clinical testing. Allele origin: germline. Affected: yes.
Comment: This variant is considered likely benign or benign based on one or more of the following criteria: it is a conservative change, it occurs at a poorly conserved position in the protein, it is predicted to be benign by multiple in silico algorithms, and/or has population frequency not consistent with disease.

NM_012062.5(DNM1L):c.1994+263G>T

Gene: DNM1L (dynamin 1 like; plus strand). Cytogenetic location: 12p11.21.
Variant type: single nucleotide variant.
Coding change: c.1994+263G>T on transcript NM_012062.5 (MANE Select); 263 bases into the intron after coding-DNA position 1994, G replaced by T.
Molecular consequence: intron variant.
Genome position (GRCh38, 1-based): chr12:32,740,781, G>T. VCF-style: chr12-32740781-G-T. GRCh37 (hg19) VCF-style: chr12-32893715-G-T.
Other names: c.2033+263G>T (NM_001278464.2); c.2000+263G>T (NM_001278465.2); c.1922+263G>T (NM_001330380.2); c.1385+263G>T (NM_001278466.2); c.1961+263G>T (NM_001278463.2); c.1916+263G>T (NM_012063.4); c.1883+263G>T (NM_005690.5).
Identifiers: ClinVar variation 680551 (VCV000680551.1), dbSNP rs67335394, ClinGen allele CA235206477.